The following is an entry in ClinVar:

NM_019032.6(ADAMTSL4):c.162C>T (p.Ala54=)

Genes: ADAMTSL4-AS2 (ADAMTSL4 antisense RNA 2; minus strand), ADAMTSL4 (ADAMTS like 4; plus strand). Cytogenetic location: 1q21.2.
Variant type: single nucleotide variant.
Coding change: c.162C>T on transcript NM_019032.6 (MANE Select); coding-DNA position 162, C replaced by T.
Protein change: p.Ala54=; no amino-acid change (alanine 54 retained).
Molecular consequence: synonymous variant.
Genome position (GRCh38, 1-based): chr1:150,552,981, C>T. VCF-style: chr1-150552981-C-T. GRCh37 (hg19) VCF-style: chr1-150525457-C-T.
Other names: c.162C>T, p.Ala54= (NM_001288607.2, NM_001288608.2, NM_001378596.1 and 1 more transcripts); c.162C>T (NM_019032.5).
Identifiers: ClinVar variation 876192 (VCV000876192.15), dbSNP rs150631268, ClinGen allele CA1077883.

ClinVar aggregate classification (germline): Conflicting classifications of pathogenicity. Review status: criteria provided, conflicting classifications (1 of 4 stars). 5 submissions from 5 submitters: Uncertain significance (2); Likely benign (2). 1 of the submissions does not count toward it. Last evaluated 2026-01-09.

Conditions:
Ectopia lentis 2, isolated, autosomal recessive (ECTOL2). Identifiers: Orphanet 1885, MedGen C3541474, MONDO:0009152, OMIM 225100.
ADAMTSL4-related disorder. Also called: ADAMTSL4-related condition; ADAMTSL4-Related Disorders.

Allele frequency attached by ClinVar (database versions not stated): ESP Exome Variant Server 0.00023; gnomAD exomes 0.00025 and 0.00039; TOPMed 0.00028; gnomAD 0.00031 and 0.00034; ExAC 0.00032; 1000 Genomes Project 0.00040; 1000 Genomes Project 30x 0.00047.
gnomAD v4.1: 617 of 1,613,312 alleles (0.038%); highest among the groups gnomAD compares: Non-Finnish European, 0.047%; no homozygotes.

Submissions (5):

Labcorp Genetics (formerly Invitae), Labcorp
Classification: Likely benign. Last evaluated: 2026-01-09. Review status: criteria provided, single submitter. Criteria: Invitae Variant Classification Sherloc (09022015). Collection method: clinical testing. Allele origin: germline.

Blueprint Genetics
Classification: Likely benign. Last evaluated: 2024-10-29. Review status: criteria provided, single submitter. Criteria: ACMG Guidelines, 2015. Collection method: clinical testing. Allele origin: germline.

GeneDx
Classification: Uncertain significance. Last evaluated: 2024-06-10. Review status: criteria provided, single submitter. Criteria: GeneDx Variant Classification Process June 2021. Collection method: clinical testing. Allele origin: germline. Affected: yes.
Comment: Has not been previously published as pathogenic or benign to our knowledge; In silico analysis indicates that this variant does not alter splicing

Illumina Laboratory Services, Illumina
Classification: Uncertain significance for Ectopia lentis 2, isolated, autosomal recessive. Last evaluated: 2018-01-13. Review status: criteria provided, single submitter. Criteria: ICSL Variant Classification Criteria 13 December 2019. Collection method: clinical testing. Allele origin: germline.

PreventionGenetics, part of Exact Sciences
Classification: Likely benign for ADAMTSL4-related condition. Last evaluated: 2019-02-18. Review status: no assertion criteria provided. Collection method: clinical testing. Allele origin: germline. Not counted in ClinVar's aggregate classification.
Comment: This variant is classified as likely benign based on ACMG/AMP sequence variant interpretation guidelines (Richards et al. 2015 PMID: 25741868, with internal and published modifications).